The following is an entry in ClinVar:

NM_052989.3(IFT122):c.273-257C>A

Gene: IFT122 (intraflagellar transport 122; plus strand). Cytogenetic location: 3q21.3.
Variant type: single nucleotide variant.
Coding change: c.273-257C>A on transcript NM_052989.3 (MANE Select); 257 bases into the intron before coding-DNA position 273, C replaced by A.
Molecular consequence: intron variant. On other transcripts: nonsense (2).
Genome position (GRCh38, 1-based): chr3:129,460,971, C>A. VCF-style: chr3-129460971-C-A. GRCh37 (hg19) VCF-style: chr3-129179814-C-A.
Other names: c.390C>A, p.Cys130Ter (NM_001280541.2, NM_052985.4); c.-178-257C>A (NM_001280545.2, NM_001280546.2); c.273-257C>A (NM_001410808.1, NM_001410809.1, NM_001410810.1 and 3 more transcripts); c.194-2589C>A (NM_052990.3, NM_001410815.1, NM_001410817.1); short protein forms C130*.
Identifiers: ClinVar variation 2757396 (VCV002757396.4), dbSNP rs951629848, ClinGen allele CA82657157.
Genomic context (GRCh38, chr3:129,460,971, plus strand): 5'-AACAGTAAGAGTAACAGCCACAGATAAAGCACCTAAAGGCCAAGGTGGGAGGATTGATTG[C>A]TTGAGGCCAAGCGTTCAAAACCAACCTGGCCAAAAGTGAGTCCCCATCTCTACAAATAAG-3'

ClinVar aggregate classification (germline): Pathogenic/Likely pathogenic. Review status: criteria provided, multiple submitters, no conflicts (2 of 4 stars). 2 submissions from 2 submitters: Pathogenic (1); Likely pathogenic (1). Last evaluated 2023-07-19.

Conditions:
Cranioectodermal dysplasia 1 (CED1). Also called: LEVIN SYNDROME I. Identifiers: Orphanet 1515, MedGen C0432235, MONDO:0021093, OMIM 218330.
IFT122-related disorder. Also called: IFT122-related condition.

Allele frequency attached by ClinVar (database versions not stated): gnomAD exomes below 0.00001; TOPMed 0.00001.
gnomAD v4.1: 11 of 1,594,046 alleles (0.00069%); highest among the groups gnomAD compares: East Asian, 0.011%; no homozygotes.

Submissions (2):

Labcorp Genetics (formerly Invitae), Labcorp
Classification: Pathogenic for Cranioectodermal dysplasia 1. Last evaluated: 2023-07-19. Review status: criteria provided, single submitter. Criteria: Invitae Variant Classification Sherloc (09022015). Collection method: clinical testing. Allele origin: germline.
Comment: This sequence change creates a premature translational stop signal (p.Cys130*) in the IFT122 gene. It is expected to result in an absent or disrupted protein product. Loss-of-function variants in IFT122 are known to be pathogenic (PMID: 20493458, 23826986, 26792575). This variant is not present in population databases (gnomAD no frequency). This variant has not been reported in the literature in individuals affected with IFT122-related conditions. For these reasons, this variant has been classified as Pathogenic.

Blueprint Genetics
Classification: Likely pathogenic for IFT122-related disorders. Last evaluated: 2023-01-03. Review status: criteria provided, single submitter. Criteria: ACMG Guidelines, 2015. Collection method: clinical testing. Allele origin: germline. Affected: yes. Observed: 5 variant alleles.

Literature cited by the submitters: PubMed 20493458 (cited by Labcorp Genetics (formerly Invitae), Labcorp); PubMed 23826986 (cited by Labcorp Genetics (formerly Invitae), Labcorp); PubMed 26792575 (cited by Labcorp Genetics (formerly Invitae), Labcorp).